The following is an entry in ClinVar:

NM_014908.4(DOLK):c.657G>C (p.Gln219His)

Gene: DOLK (dolichol kinase; minus strand). Cytogenetic location: 9q34.11.
Variant type: single nucleotide variant.
Coding change: c.657G>C on transcript NM_014908.4 (MANE Select); coding-DNA position 657, G replaced by C.
Protein change: p.Gln219His; replaces glutamine 219 with histidine.
Molecular consequence: missense variant.
Genome position (GRCh38, 1-based): chr9:128,946,647, C>G on the plus strand (G>C on the coding strand, the complement: DOLK is on the minus strand). VCF-style: chr9-128946647-C-G. GRCh37 (hg19) VCF-style: chr9-131708926-C-G.
Other names: short protein forms Q219H.
Identifiers: ClinVar variation 2448555 (VCV002448555.2), dbSNP rs2492004510, ClinGen allele CA375123895.

ClinVar aggregate classification (germline): Uncertain significance (1 of 4 stars; one submission).

Conditions:
Cardiovascular phenotype. Identifiers: MedGen CN230736.

Submission:

Ambry Genetics
Classification: Uncertain significance for Cardiovascular phenotype. Last evaluated: 2023-02-05. Review status: criteria provided, single submitter. Criteria: Ambry Variant Classification Scheme 2023. Collection method: clinical testing. Allele origin: germline.
Comment: The p.Q219H variant (also known as c.657G>C), located in coding exon 1 of the DOLK gene, results from a G to C substitution at nucleotide position 657. The glutamine at codon 219 is replaced by histidine, an amino acid with highly similar properties. This amino acid position is conserved. In addition, this alteration is predicted to be tolerated by in silico analysis. Since supporting evidence is limited at this time, the clinical significance of this alteration remains unclear.